The following is an entry in ClinVar:

NM_000294.3(PHKG2):c.489C>T (p.Asp163=)

Gene: PHKG2 (phosphorylase kinase catalytic subunit gamma 2; plus strand). Cytogenetic location: 16p11.2.
Variant type: single nucleotide variant.
Coding change: c.489C>T on transcript NM_000294.3 (MANE Select); coding-DNA position 489, C replaced by T.
Protein change: p.Asp163=; no amino-acid change (aspartic acid 163 retained).
Molecular consequence: synonymous variant.
Genome position (GRCh38, 1-based): chr16:30,753,490, C>T. VCF-style: chr16-30753490-C-T. GRCh37 (hg19) VCF-style: chr16-30764811-C-T.
Other names: c.489C>T, p.Asp163= (NM_001172432.2).
Identifiers: ClinVar variation 2582945 (VCV002582945.28), dbSNP rs138740083, ClinGen allele CA8013189.
Genomic context (GRCh38, chr16:30,753,490, plus strand): 5'-TCTCCATGCCAACAACATTGTGCATCGAGATCTGAAGCCCGAGAATATTCTCCTAGATGA[C>T]AATATGCAGATCCGACTTTCAGATTTCGGGTTCTCCTGCCACTTGGAACCTGGCGAGAAG-3'
Protein context (NP_000285.1, residues 153-173): DLKPENILLD[Asp163=]NMQIRLSDFG

ClinVar aggregate classification (germline): Likely benign. Review status: criteria provided, multiple submitters, no conflicts (2 of 4 stars). 2 submissions from 2 submitters: Likely benign (2). Last evaluated 2026-01-26.

Conditions:
Glycogen storage disease IXc (GSD9C). Also called: GSD IXc. Identifiers: Orphanet 264580, MedGen C2751643, MONDO:0013091, OMIM 613027.

Allele frequency attached by ClinVar (database versions not stated): gnomAD 0.00001; ExAC 0.00002; TOPMed 0.00002; ESP Exome Variant Server 0.00008.

Submissions (2):

Labcorp Genetics (formerly Invitae), Labcorp
Classification: Likely benign for Glycogen storage disease IXc. Last evaluated: 2026-01-26. Review status: criteria provided, single submitter. Criteria: Invitae Variant Classification Sherloc (09022015). Collection method: clinical testing. Allele origin: germline.

CeGaT Center for Human Genetics Tuebingen
Classification: Likely benign. Last evaluated: 2023-09-01. Review status: criteria provided, single submitter. Criteria: CeGaT Center For Human Genetics Tuebingen Variant Classification Criteria Version 2. Collection method: clinical testing. Allele origin: germline. Affected: yes. Observed: 1 variant allele.
Comment: PHKG2: BP4, BP7